The following is an entry in ClinVar:

NM_001297.5(CNGB1):c.1747A>T (p.Lys583Ter)

Gene: CNGB1 (cyclic nucleotide gated channel subunit beta 1; minus strand). Cytogenetic location: 16q21.
Variant type: single nucleotide variant.
Coding change: c.1747A>T on transcript NM_001297.5 (MANE Select); coding-DNA position 1747, A replaced by T.
Protein change: p.Lys583Ter; replaces lysine 583 with a stop codon.
Molecular consequence: nonsense.
Genome position (GRCh38, 1-based): chr16:57,920,441, T>A on the plus strand (A>T on the coding strand, the complement: CNGB1 is on the minus strand). VCF-style: chr16-57920441-T-A. GRCh37 (hg19) VCF-style: chr16-57954345-T-A.
Other names: c.1729A>T, p.Lys577Ter (NM_001286130.2); short protein forms K583*, K577*.
Identifiers: ClinVar variation 1457340 (VCV001457340.6), dbSNP rs2149366496, ClinGen allele CA396066430.

ClinVar aggregate classification (germline): Pathogenic (1 of 4 stars; one submission).

Submission:

Labcorp Genetics (formerly Invitae), Labcorp
Classification: Pathogenic. Last evaluated: 2021-07-18. Review status: criteria provided, single submitter. Criteria: Invitae Variant Classification Sherloc (09022015). Collection method: clinical testing. Allele origin: germline.
Comment: This variant has not been reported in the literature in individuals affected with CNGB1-related conditions. This variant is not present in population databases (ExAC no frequency). This sequence change creates a premature translational stop signal (p.Lys583*) in the CNGB1 gene. It is expected to result in an absent or disrupted protein product. Loss-of-function variants in CNGB1 are known to be pathogenic (PMID: 15557452, 24043777). For these reasons, this variant has been classified as Pathogenic.

Literature cited by the submitters: PubMed 15557452; PubMed 24043777.